The following is an entry in ClinVar:

NM_000548.5(TSC2):c.2878T>G (p.Ser960Ala)

Gene: TSC2 (TSC complex subunit 2; plus strand). Cytogenetic location: 16p13.3.
Variant type: single nucleotide variant.
Coding change: c.2878T>G on transcript NM_000548.5 (MANE Select); coding-DNA position 2878, T replaced by G.
Protein change: p.Ser960Ala; replaces serine 960 with alanine.
Molecular consequence: missense variant. On other transcripts: intron variant (9).
Genome position (GRCh38, 1-based): chr16:2,077,638, T>G. VCF-style: chr16-2077638-T-G. GRCh37 (hg19) VCF-style: chr16-2127639-T-G.
Other names: c.2878T>G, p.Ser960Ala (NM_001114382.3); c.2837+1053T>G (NM_021055.3, NM_001370405.1, NM_001363528.2 and 2 more transcripts); c.2726+1053T>G (NM_001318827.2); c.2237+1053T>G (NM_001318831.2); c.2690+1053T>G (NM_001318829.2); c.2870+1053T>G (NM_001318832.2); short protein forms S960A.
Identifiers: ClinVar variation 467976 (VCV000467976.14), dbSNP rs1005027685, ClinGen allele CA276743945.

ClinVar aggregate classification (germline): Uncertain significance. Review status: criteria provided, multiple submitters, no conflicts (2 of 4 stars). 3 submissions from 3 submitters: Uncertain significance (3). Last evaluated 2022-05-18.

Conditions:
Hereditary cancer-predisposing syndrome. Also called: Hereditary neoplastic syndrome; Neoplastic Syndromes, Hereditary; Hereditary Cancer Syndrome; Tumor predisposition. Identifiers: Orphanet 140162, MedGen C0027672, MeSH D009386, MONDO:0015356.
Tuberous sclerosis 2 (TSC2). Identifiers: Orphanet 805, MedGen C1860707, MONDO:0013199, OMIM 613254.

gnomAD v4.1: 2 of 1,612,982 alleles (0.00012%); highest among the groups gnomAD compares: Non-Finnish European, 0.00017%; no homozygotes.

Submissions (3):

Ambry Genetics
Classification: Uncertain significance for Hereditary cancer-predisposing syndrome. Last evaluated: 2022-05-18. Review status: criteria provided, single submitter. Criteria: Ambry Variant Classification Scheme 2023. Collection method: clinical testing. Allele origin: germline.
Comment: The p.S960A variant (also known as c.2878T>G), located in coding exon 25 of the TSC2 gene, results from a T to G substitution at nucleotide position 2878. The serine at codon 960 is replaced by alanine, an amino acid with similar properties. This amino acid position is conserved. In addition, the in silico prediction for this alteration is inconclusive. Since supporting evidence is limited at this time, the clinical significance of this alteration remains unclear.

Labcorp Genetics (formerly Invitae), Labcorp
Classification: Uncertain significance for Tuberous sclerosis 2. Last evaluated: 2021-02-02. Review status: criteria provided, single submitter. Criteria: Invitae Variant Classification Sherloc (09022015). Collection method: clinical testing. Allele origin: germline.
Comment: In summary, this variant is a novel missense change with uncertain impact on protein function. It has been classified as a Variant of Uncertain Significance. Algorithms developed to predict the effect of missense changes on protein structure and function do not agree on the potential impact of this missense change (SIFT: "Tolerated"; PolyPhen-2: "Possibly Damaging"; Align-GVGD: "Class C0"). This variant is not present in population databases (ExAC no frequency) and has not been reported in the literature in individuals with a TSC2-related disease. This sequence change replaces serine with alanine at codon 960 of the TSC2 protein (p.Ser960Ala). The serine residue is moderately conserved and there is a moderate physicochemical difference between serine and alanine.

Blueprint Genetics
Classification: Uncertain significance. Last evaluated: 2020-09-01. Review status: criteria provided, single submitter. Criteria: ACMG Guidelines, 2015. Collection method: clinical testing. Allele origin: germline.